The following is an entry in ClinVar:

NM_001128227.3(GNE):c.50A>T (p.His17Leu)

Gene: GNE (glucosamine (UDP-N-acetyl)-2-epimerase/N-acetylmannosamine kinase; minus strand). Cytogenetic location: 9p13.3.
Variant type: single nucleotide variant.
Coding change: c.50A>T on transcript NM_001128227.3 (MANE Plus Clinical); coding-DNA position 50, A replaced by T.
Protein change: p.His17Leu; replaces histidine 17 with leucine.
Molecular consequence: missense variant. On other transcripts: 5 prime UTR variant (1).
Genome position (GRCh38, 1-based): chr9:36,276,895, T>A on the plus strand (A>T on the coding strand, the complement: GNE is on the minus strand). VCF-style: chr9-36276895-T-A. GRCh37 (hg19) VCF-style: chr9-36276892-T-A.
Other names: c.-15A>T (NM_001190388.2); short protein forms H17L.
Identifiers: ClinVar variation 1416640 (VCV001416640.9), dbSNP rs2133208557, ClinGen allele CA373429363.

ClinVar aggregate classification (germline): Uncertain significance (1 of 4 stars; one submission).

Conditions:
GNE myopathy (NM). Also called: INCLUSION BODY MYOPATHY, HEREDITARY, AUTOSOMAL RECESSIVE; INCLUSION BODY MYOPATHY 2, AUTOSOMAL RECESSIVE; MYOPATHY, DISTAL, WITH OR WITHOUT RIMMED VACUOLES; NONAKA DISTAL MYOPATHY; IBM 2; Inclusion body myopathy autosomal recessive. Identifiers: Orphanet 602, MedGen C1853926, MONDO:0011603, OMIM 605820.
Sialuria. Also called: SIALURIA, FRENCH TYPE; Sialic Acid Storage Disease. Identifiers: Orphanet 3166, MedGen C0342853, MONDO:0010028, OMIM 269921.

Submission:

Labcorp Genetics (formerly Invitae), Labcorp
Classification: Uncertain significance for Sialuria; GNE myopathy. Last evaluated: 2022-06-20. Review status: criteria provided, single submitter. Criteria: Invitae Variant Classification Sherloc (09022015). Collection method: clinical testing. Allele origin: germline.
Comment: This variant has not been reported in the literature in individuals affected with GNE-related conditions. Algorithms developed to predict the effect of missense changes on protein structure and function (SIFT, PolyPhen-2, Align-GVGD) all suggest that this variant is likely to be tolerated. In summary, the available evidence is currently insufficient to determine the role of this variant in disease. Therefore, it has been classified as a Variant of Uncertain Significance. This variant is not present in population databases (gnomAD no frequency). This sequence change replaces histidine, which is basic and polar, with leucine, which is neutral and non-polar, at codon 17 of the GNE protein (p.His17Leu).